The following is an entry in ClinVar:

ClinVar aggregate classification (germline): Uncertain significance. Review status: criteria provided, multiple submitters, no conflicts (2 of 4 stars). 2 submissions from 2 submitters: Uncertain significance (2). Last evaluated 2023-12-29.

Conditions:
Hennekam lymphangiectasia-lymphedema syndrome 2 (HKLLS2). Identifiers: Orphanet 2136, MedGen C4014939, MONDO:0014454, OMIM 616006.
Van Maldergem syndrome 2 (VMLDS2). Identifiers: Orphanet 314679, MedGen C3809875, MONDO:0014242, OMIM 615546.

Allele frequency attached by ClinVar (database versions not stated): gnomAD exomes 0.00001; 1000 Genomes Project 30x 0.00016; 1000 Genomes Project 0.00020.
gnomAD v4.1: 17 of 1,613,814 alleles (0.0011%); highest among the groups gnomAD compares: East Asian, 0.0022%; no homozygotes.

Submissions (2):

Fulgent Genetics
Classification: Uncertain significance for Van Maldergem syndrome 2; Hennekam lymphangiectasia-lymphedema syndrome 2. Last evaluated: 2023-12-29. Review status: criteria provided, single submitter. Criteria: ACMG Guidelines, 2015. Collection method: clinical testing. Allele origin: germline.

Labcorp Genetics (formerly Invitae), Labcorp
Classification: Uncertain significance. Last evaluated: 2022-03-11. Review status: criteria provided, single submitter. Criteria: Invitae Variant Classification Sherloc (09022015). Collection method: clinical testing. Allele origin: germline.
Comment: This sequence change replaces serine, which is neutral and polar, with arginine, which is basic and polar, at codon 100 of the FAT4 protein (p.Ser100Arg). This variant is not present in population databases (gnomAD no frequency). This variant has not been reported in the literature in individuals affected with FAT4-related conditions. Advanced modeling of protein sequence and biophysical properties (such as structural, functional, and spatial information, amino acid conservation, physicochemical variation, residue mobility, and thermodynamic stability) performed at Invitae indicates that this missense variant is not expected to disrupt FAT4 protein function. In summary, the available evidence is currently insufficient to determine the role of this variant in disease. Therefore, it has been classified as a Variant of Uncertain Significance.

NM_001291303.3(FAT4):c.300C>G (p.Ser100Arg)

Gene: FAT4 (FAT atypical cadherin 4; plus strand). Cytogenetic location: 4q28.1.
Variant type: single nucleotide variant.
Coding change: c.300C>G on transcript NM_001291303.3 (MANE Select); coding-DNA position 300, C replaced by G.
Protein change: p.Ser100Arg; replaces serine 100 with arginine.
Molecular consequence: missense variant.
Genome position (GRCh38, 1-based): chr4:125,316,711, C>G. VCF-style: chr4-125316711-C-G. GRCh37 (hg19) VCF-style: chr4-126237866-C-G.
Other names: c.300C>G, p.Ser100Arg (NM_001291285.3, NM_024582.6); c.300C>G (NM_024582.5); short protein forms S100R.
Identifiers: ClinVar variation 2056675 (VCV002056675.2), dbSNP rs550276251, ClinGen allele CA104860771.
Genomic context (GRCh38, chr4:125,316,711, plus strand): 5'-GTTTGCCATAAACAGTAGCACCGGAGCCCTGTACACCACCTCCACCATCGACCGCGAGAG[C>G]CTGCCCAGCGACGTGATCAACCTGGTGGTCCTTTCCAGCGCGCCCACCTACCCCACCGAA-3'
Protein context (NP_001278232.1, residues 90-110): LYTTSTIDRE[Ser100Arg]LPSDVINLVV